The following is an entry in ClinVar:

GRCh38/hg38 19q11-12(chr19:27362299-28173816)x3

Genes: ERVK-19 (endogenous retrovirus group K member 19, envelope; minus strand), LINC00662 (long intergenic non-protein coding RNA 662; minus strand), LINC02987 (long intergenic non-protein coding RNA 2987; plus strand), LOC130064113 (ATAC-STARR-seq lymphoblastoid active region 14401; plus strand), LOC130064114 (ATAC-STARR-seq lymphoblastoid active region 14402; plus strand) and 2 more. Cytogenetic location: 19q11-12.
Variant type: copy number gain.
Change: copy number 3 (three copies instead of two) of chr19:27,362,299-28,173,816 (811.5 kb, GRCh38 coordinates, 1-based), cytogenetic band 19q11-12.
Identifiers: ClinVar variation 60275 (VCV000060275.1).

ClinVar aggregate classification (germline): Uncertain significance (1 of 4 stars; one submission).

Submission:

ISCA site 14
Classification: Uncertain significance. Last evaluated: 2011-08-12. Review status: criteria provided, single submitter. Criteria: Kaminsky et al. (Genet Med. 2011). Collection method: clinical testing. Allele origin: paternal. Affected: yes. Observed: 1 variant allele.
Comment: Copy number variation identified through the course of routine clinical cytogenomic testing in postnatal populations. Clinical assertions have been curated as described in Kaminsky et al. 2011.